The following is an entry in ClinVar:

NM_001287491.2(TET3):c.3589A>T (p.Ile1197Phe)

Gene: TET3 (tet methylcytosine dioxygenase 3; plus strand). Cytogenetic location: 2p13.1.
Variant type: single nucleotide variant.
Coding change: c.3589A>T on transcript NM_001287491.2 (MANE Select); coding-DNA position 3589, A replaced by T.
Protein change: p.Ile1197Phe; replaces isoleucine 1197 with phenylalanine.
Molecular consequence: missense variant.
Genome position (GRCh38, 1-based): chr2:74,099,597, A>T. VCF-style: chr2-74099597-A-T. GRCh37 (hg19) VCF-style: chr2-74326724-A-T.
Other names: c.3310A>T, p.Ile1104Phe (NM_001366022.1); c.3184A>T, p.Ile1062Phe (NM_144993.1); short protein forms I1062F, I1104F, I1197F.
Identifiers: ClinVar variation 3236430 (VCV003236430.2), dbSNP rs1490800882, ClinGen allele CA347316089.

ClinVar aggregate classification (germline): Uncertain significance (1 of 4 stars; one submission).

Conditions:
Beck-Fahrner syndrome (BEFAHRS). Identifiers: Orphanet 684216, MedGen C5394097, MONDO:0032922, OMIM 618798.

Submission:

Neuberg Centre For Genomic Medicine, NCGM
Classification: Uncertain significance for Beck-Fahrner syndrome. Review status: criteria provided, single submitter. Criteria: ACMG Guidelines, 2015. Collection method: clinical testing. Allele origin: germline. Inheritance: Autosomal dominant inheritance. Affected: yes.
Comment: The missense c.3589A>T p.Ile1197Phe variant in TET3 gene has not been reported previously as a pathogenic variant nor as a benign variant, to our knowledge. The p.Ile1197Phe variant is novel not in any individuals in gnomAD Exomes and 1000 Genomes. This variant has not been reported to the ClinVar database. The amino acid Ile at position 1197 is changed to a Phe changing protein sequence and it might alter its composition and physico-chemical properties. For these reasons, this variant has been classified as Variant of Uncertain Significance VUS.